The following is an entry in ClinVar:

ClinVar aggregate classification (germline): Uncertain significance. Review status: criteria provided, multiple submitters, no conflicts (2 of 4 stars). 2 submissions from 2 submitters: Uncertain significance (2). Last evaluated 2026-01-21.

Conditions:
Cardiovascular phenotype. Identifiers: MedGen CN230736.
Brugada syndrome 4 (BRGDA4). Identifiers: Orphanet 130, MedGen C2678477, MONDO:0012743, OMIM 611876.

Allele frequency attached by ClinVar (database versions not stated): gnomAD exomes below 0.00001.
gnomAD v4.1: 1 of 1,610,816 alleles (0.000062%); highest among the groups gnomAD compares: Non-Finnish European, 0.000085%; no homozygotes.

Submissions (2):

Ambry Genetics
Classification: Uncertain significance for Cardiovascular phenotype. Last evaluated: 2026-01-21. Review status: criteria provided, single submitter. Criteria: Ambry Variant Classification Scheme 2023. Collection method: clinical testing. Allele origin: germline.
Comment: The p.S161Y variant (also known as c.482C>A), located in coding exon 5 of the CACNB2 gene, results from a C to A substitution at nucleotide position 482. The serine at codon 161 is replaced by tyrosine, an amino acid with dissimilar properties. This amino acid position is conserved. In addition, the in silico prediction for this alteration is inconclusive. Based on the available evidence, the clinical significance of this variant remains unclear.

Labcorp Genetics (formerly Invitae), Labcorp
Classification: Uncertain significance for Brugada syndrome 4. Last evaluated: 2023-10-24. Review status: criteria provided, single submitter. Criteria: Invitae Variant Classification Sherloc (09022015). Collection method: clinical testing. Allele origin: germline.
Comment: This sequence change replaces serine, which is neutral and polar, with tyrosine, which is neutral and polar, at codon 161 of the CACNB2 protein (p.Ser161Tyr). This variant is not present in population databases (gnomAD no frequency). This variant has not been reported in the literature in individuals affected with CACNB2-related conditions. Advanced modeling of protein sequence and biophysical properties (such as structural, functional, and spatial information, amino acid conservation, physicochemical variation, residue mobility, and thermodynamic stability) performed at Invitae indicates that this missense variant is not expected to disrupt CACNB2 protein function with a negative predictive value of 80%. In summary, the available evidence is currently insufficient to determine the role of this variant in disease. Therefore, it has been classified as a Variant of Uncertain Significance.

NM_201596.3(CACNB2):c.644C>A (p.Ser215Tyr)

Gene: CACNB2 (calcium voltage-gated channel auxiliary subunit beta 2; plus strand). Cytogenetic location: 10p12.31.
Variant type: single nucleotide variant.
Coding change: c.644C>A on transcript NM_201596.3 (MANE Select); coding-DNA position 644, C replaced by A.
Protein change: p.Ser215Tyr; replaces serine 215 with tyrosine.
Molecular consequence: missense variant.
Genome position (GRCh38, 1-based): chr10:18,506,521, C>A. VCF-style: chr10-18506521-C-A. GRCh37 (hg19) VCF-style: chr10-18795450-C-A.
Other names: c.482C>A (NM_201590.2); c.479C>A, p.Ser160Tyr (NM_000724.4, NM_001330060.2); c.560C>A, p.Ser187Tyr (NM_001167945.2, NM_201571.4, NM_201572.4); c.500C>A, p.Ser167Tyr (NM_001410882.1, NM_201570.3); c.482C>A, p.Ser161Tyr (NM_201590.3); c.644C>A, p.Ser215Tyr (NM_201593.3, NM_201597.3); short protein forms S160Y, S161Y, S215Y, S167Y, S187Y.
Identifiers: ClinVar variation 2908750 (VCV002908750.4), dbSNP rs2494423509, ClinGen allele CA376059284.